The following is an entry in ClinVar:

NM_153252.5(BRWD3):c.3955C>T (p.Arg1319Cys)

Gene: BRWD3 (bromodomain and WD repeat domain containing 3; minus strand). Cytogenetic location: Xq21.1.
Variant type: single nucleotide variant.
Coding change: c.3955C>T on transcript NM_153252.5 (MANE Select); coding-DNA position 3955, C replaced by T.
Protein change: p.Arg1319Cys; replaces arginine 1319 with cysteine.
Molecular consequence: missense variant.
Genome position (GRCh38, 1-based): chrX:80,686,913, G>A on the plus strand (C>T on the coding strand, the complement: BRWD3 is on the minus strand). VCF-style: chrX-80686913-G-A. GRCh37 (hg19) VCF-style: chrX-79942412-G-A.
Other names: short protein forms R1319C.
Identifiers: ClinVar variation 3017684 (VCV003017684.3), dbSNP rs770966518, ClinGen allele CA10461739.

ClinVar aggregate classification (germline): Uncertain significance (1 of 4 stars; one submission).

Allele frequency attached by ClinVar (database versions not stated): gnomAD exomes below 0.00001; ExAC 0.00002.
gnomAD v4.1: 7 of 1,209,111 alleles (0.00058%); highest among the groups gnomAD compares: South Asian, 0.007%; no homozygotes.

Submission:

Labcorp Genetics (formerly Invitae), Labcorp
Classification: Uncertain significance. Last evaluated: 2023-09-14. Review status: criteria provided, single submitter. Criteria: Invitae Variant Classification Sherloc (09022015). Collection method: clinical testing. Allele origin: germline.
Comment: This sequence change replaces arginine, which is basic and polar, with cysteine, which is neutral and slightly polar, at codon 1319 of the BRWD3 protein (p.Arg1319Cys). This variant is present in population databases (rs770966518, gnomAD 0.02%), including at least one homozygous and/or hemizygous individual. This variant has not been reported in the literature in individuals affected with BRWD3-related conditions. Advanced modeling of protein sequence and biophysical properties (such as structural, functional, and spatial information, amino acid conservation, physicochemical variation, residue mobility, and thermodynamic stability) performed at Invitae indicates that this missense variant is not expected to disrupt BRWD3 protein function. In summary, the available evidence is currently insufficient to determine the role of this variant in disease. Therefore, it has been classified as a Variant of Uncertain Significance.